The following is an entry in ClinVar:

NM_000077.5(CDKN2A):c.155T>C (p.Met52Thr)

Gene: CDKN2A (cyclin dependent kinase inhibitor 2A; minus strand). Cytogenetic location: 9p21.3.
Variant type: single nucleotide variant.
Coding change: c.155T>C on transcript NM_000077.5; coding-DNA position 155, T replaced by C.
Protein change: p.Met52Thr; replaces methionine 52 with threonine.
Molecular consequence: missense variant (on NM_000077.6). On other transcripts: initiator codon variant (1), synonymous variant (1), 3 prime UTR variant (1).
Genome position (GRCh38, 1-based): chr9:21,971,204, A>G on the plus strand (T>C on the coding strand, the complement: CDKN2A is on the minus strand). VCF-style: chr9-21971204-A-G. GRCh37 (hg19) VCF-style: chr9-21971203-A-G.
Other names: c.155T>C, p.Met52Thr (NM_000077.6, NM_001195132.2); c.2T>C, p.Met1Thr (NM_001363763.2); c.198T>C, p.His66= (NM_058195.4); c.*78T>C (NM_058197.5); short protein forms M52T, M1T.
Identifiers: ClinVar variation 418881 (VCV000418881.26), dbSNP rs752573958, ClinGen allele CA5012218.

ClinVar aggregate classification (germline): Uncertain significance. Review status: criteria provided, multiple submitters, no conflicts (2 of 4 stars). 9 submissions from 8 submitters: Uncertain significance (9). Last evaluated 2026-03-12.

Conditions:
CDKN2A-related disorder. Also called: CDKN2A-related condition.
Familial melanoma. Also called: Hereditary melanoma; Hereditary cutaneous melanoma. Identifiers: Orphanet 618, MedGen C1512419, MONDO:0018961.
Hereditary cancer-predisposing syndrome. Also called: Hereditary Cancer Syndrome; Tumor predisposition; Hereditary neoplastic syndrome; Neoplastic Syndromes, Hereditary. Identifiers: Orphanet 140162, MedGen C0027672, MeSH D009386, MONDO:0015356.
Melanoma, cutaneous malignant, susceptibility to, 2 (CMM2). Also called: Cutaneous malignant melanoma 2; CDKN2A-Related Cutaneous Malignant Melanoma. Identifiers: Orphanet 618, MedGen C1835044, MONDO:0007964, OMIM 155601.
Melanoma and neural system tumor syndrome. Also called: MELANOMA-ASTROCYTOMA SYNDROME. Identifiers: Orphanet 252206, MedGen C1835042, MONDO:0007967, OMIM 155755.
Melanoma-pancreatic cancer syndrome. Identifiers: Orphanet 404560, MedGen C1838547, MONDO:0011713, OMIM 606719. Disease mechanism: loss of function.

Allele frequency attached by ClinVar (database versions not stated): ExAC 0.00001; gnomAD exomes 0.00001.
gnomAD v4.1: 3 of 1,597,740 alleles (0.00019%); highest among the groups gnomAD compares: Admixed American, 0.005%; no homozygotes.

Submissions (9):

PreventionGenetics, part of Exact Sciences
Classification: Uncertain significance for CDKN2A-related condition. Last evaluated: 2026-03-12. Review status: criteria provided, single submitter. Criteria: ACMG Guidelines, 2015. Collection method: clinical testing. Allele origin: germline.
Comment: The CDKN2A c.155T>C variant is predicted to result in the amino acid substitution p.Met52Thr. This variant has not been reported in the literature in individuals affected with CDKN2A (p16INK4a)-related conditions. Functional studies of this amino acid alteration were inconclusive as to the effects of this variant on CDKN2A function (p16INK4a) (Yang et al. 1996. PubMed ID: 8573142). This variant is reported in 0.0059% of alleles in individuals of Latino descent in gnomAD and is interpreted as uncertain in ClinVar (Variation ID: 418881). At this time, the clinical significance of this variant is uncertain due to the absence of conclusive functional and genetic evidence.

Quest Diagnostics Nichols Institute San Juan Capistrano
Classification: Uncertain significance. Last evaluated: 2025-04-08. Review status: criteria provided, single submitter. Criteria: Quest Diagnostics criteria. Collection method: clinical testing. Allele origin: unknown.
Comment: The CDKN2A c.155T>C (p.Met52Thr) variant in p16 (INK4A) has not been reported in the published literature in individuals with CDKN2A-related conditions. Functional studies demonstrated that this variant has an inconclusive effect on protein function (PMID: 8573142 (1996)). The frequency of this variant in the general population (Genome Aggregation Database) is uninformative in the assessment of its pathogenicity. Analysis of this variant using bioinformatics tools for the prediction of the effect of amino acid changes on protein structure and function yielded conflicting predictions that this variant is deleterious or benign. Based on the available information, we are unable to determine the clinical significance of this variant. The CDKN2A c.198T>C (p.His66=) synonymous variant in p14 (ARF) has not been reported in individuals with CDKN2A-related conditions in the published literature. The frequency of this variant in the general population (Genome Aggregation Database) is uninformative in the assessment of its pathogenicity. Analysis of this variant using software algorithms for the prediction of the effect of nucleotide changes on splicing yielded predictions that this variant does not affect CDKN2A mRNA splicing. Based on the available information, we are unable to determine the clinical significance of this variant.

Color Diagnostics, LLC DBA Color Health
Classification: Uncertain significance for Hereditary cancer-predisposing syndrome. Last evaluated: 2025-03-13. Review status: criteria provided, single submitter. Criteria: ACMG Guidelines, 2015. Collection method: clinical testing. Allele origin: germline.
Comment: The CDKN2A locus encodes two different gene products, p16INK4a and p14ARF. This missense variant replaces methionine with threonine at codon 52 of the CDKN2A (p16INK4A) protein. Computational prediction is inconclusive regarding the impact of this variant on protein structure and function. A functional study using a yeast two-hybrid assay was inconclusive with regard to the impact of this variant on CDK4-binding activity of the CDKN2A (p16INK4A) protein (PMID: 8573142). This variant has not been reported in individuals affected with hereditary cancer in the literature. This variant has been identified in 2/220806 chromosomes in the general population by the Genome Aggregation Database (gnomAD). The available evidence is insufficient to determine the role of this variant in disease conclusively. Therefore, this variant is classified as a Variant of Uncertain Significance.

Ambry Genetics
Classification: Uncertain significance for Hereditary cancer-predisposing syndrome. Last evaluated: 2024-03-29. Review status: criteria provided, single submitter. Criteria: Ambry Variant Classification Scheme 2023. Collection method: clinical testing. Allele origin: germline.
Comment: The p.M52T variant (also known as c.155T>C), located in coding exon 2 of the CDKN2A gene, results from a T to C substitution at nucleotide position 155. The methionine at codon 52 is replaced by threonine, an amino acid with similar properties. This amino acid position is highly conserved in available vertebrate species. In addition, this alteration is predicted to be deleterious by in silico analysis. Since supporting evidence is limited at this time, the clinical significance of this alteration remains unclear.

Baylor Genetics
Classification: Uncertain significance for Melanoma and neural system tumor syndrome. Last evaluated: 2024-03-12. Review status: criteria provided, single submitter. Criteria: ACMG Guidelines, 2015. Collection method: clinical testing. Allele origin: unknown.

Fulgent Genetics
Classification: Uncertain significance for Melanoma, cutaneous malignant, susceptibility to, 2; Melanoma and neural system tumor syndrome; Melanoma-pancreatic cancer syndrome. Last evaluated: 2024-02-21. Review status: criteria provided, single submitter. Criteria: ACMG Guidelines, 2015. Collection method: clinical testing. Allele origin: germline.

GeneDx
Classification: Uncertain significance. Last evaluated: 2024-02-21. Review status: criteria provided, single submitter. Criteria: GeneDx Variant Classification Process June 2021. Collection method: clinical testing. Allele origin: germline. Affected: yes.
Comment: Not observed at significant frequency in large population cohorts (gnomAD); In silico analysis supports that this missense variant has a deleterious effect on protein structure/function; Has not been previously published as pathogenic or benign to our knowledge; This variant is associated with the following publications: (PMID: 8573142)

Labcorp Genetics (formerly Invitae), Labcorp
Classification: Uncertain significance for Familial melanoma. Last evaluated: 2024-01-04. Review status: criteria provided, single submitter. Criteria: Invitae Variant Classification Sherloc (09022015). Collection method: clinical testing. Allele origin: germline.
Comment: This sequence change replaces methionine, which is neutral and non-polar, with threonine, which is neutral and polar, at codon 52 of the CDKN2A (p16INK4a) protein (p.Met52Thr). This variant is present in population databases (rs752573958, gnomAD 0.006%). This variant has not been reported in the literature in individuals affected with CDKN2A (p16INK4a)-related conditions. ClinVar contains an entry for this variant (Variation ID: 418881). An algorithm developed to predict the effect of missense changes on protein structure and function (PolyPhen-2) suggests that this variant is likely to be disruptive. Experimental studies are conflicting or provide insufficient evidence to determine the effect of this variant on CDKN2A (p16INK4a) function (PMID: 8573142). In summary, the available evidence is currently insufficient to determine the role of this variant in disease. Therefore, it has been classified as a Variant of Uncertain Significance.

Baylor Genetics
Classification: Uncertain significance for Melanoma and neural system tumor syndrome. Last evaluated: 2021-03-03. Review status: criteria provided, single submitter. Criteria: ACMG Guidelines, 2015. Collection method: clinical testing. Allele origin: unknown. Affected: yes. Study: CSER-TexasKidsCanSeq.
Comment: This variant was determined to be of uncertain significance according to ACMG Guidelines, 2015 [PMID:25741868].

Literature cited by the submitters: PubMed 8573142 (cited by 3 submitters).